The following is an entry in ClinVar:

ClinVar aggregate classification (germline): Likely benign (1 of 4 stars; one submission).

gnomAD v4.1: 40 of 1,603,594 alleles (0.0025%); highest among the groups gnomAD compares: Middle Eastern, 0.016%; no homozygotes.

Submission:

CeGaT Center for Human Genetics Tuebingen
Classification: Likely benign. Last evaluated: 2026-06-01. Review status: criteria provided, single submitter. Criteria: CeGaT Center For Human Genetics Tuebingen Variant Classification Criteria Version 2. Collection method: clinical testing. Allele origin: germline. Affected: yes. Observed: 3 variant alleles.
Comment: SLC45A1: BP4, BP7

NM_001080397.3(SLC45A1):c.1509G>C (p.Ala503=)

Gene: SLC45A1 (solute carrier family 45 member 1; plus strand). Cytogenetic location: 1p36.23.
Variant type: single nucleotide variant.
Coding change: c.1509G>C on transcript NM_001080397.3 (MANE Select); coding-DNA position 1509, G replaced by C.
Protein change: p.Ala503=; no amino-acid change (alanine 503 retained).
Molecular consequence: synonymous variant.
Genome position (GRCh38, 1-based): chr1:8,335,502, G>C. VCF-style: chr1-8335502-G-C. GRCh37 (hg19) VCF-style: chr1-8395562-G-C.
Other names: c.1416G>C, p.Ala472= (NM_001379616.1, NM_001379615.1); c.903G>C, p.Ala301= (NM_001379617.1, NM_001379618.1); c.1509G>C, p.Ala503= (NM_001379614.1).
Identifiers: ClinVar variation 3388324 (VCV003388324.14).